The following is an entry in ClinVar:

ClinVar aggregate classification (germline): Uncertain significance (1 of 4 stars; one submission).

Submission:

Ambry Genetics
Classification: Uncertain significance. Last evaluated: 2025-08-24. Review status: criteria provided, single submitter. Criteria: Ambry Variant Classification Scheme 2023. Collection method: clinical testing. Allele origin: germline.
Comment: The p.S1185G variant (also known as c.3553A>G), located in coding exon 14 of the WNK2 gene, results from an A to G substitution at nucleotide position 3553. The serine at codon 1185 is replaced by glycine, an amino acid with similar properties. This amino acid position is conserved. In addition, this alteration is predicted to be tolerated by in silico analysis. Based on the available evidence, the clinical significance of this variant remains unclear.

NM_006648.4(WNK2):c.3553A>G (p.Ser1185Gly)

Gene: WNK2 (WNK lysine deficient protein kinase 2; plus strand). Cytogenetic location: 9q22.31.
Variant type: single nucleotide variant.
Coding change: c.3553A>G on transcript NM_006648.4 (MANE Select); coding-DNA position 3553, A replaced by G.
Protein change: p.Ser1185Gly; replaces serine 1185 with glycine.
Molecular consequence: missense variant.
Genome position (GRCh38, 1-based): chr9:93,263,708, A>G. VCF-style: chr9-93263708-A-G. GRCh37 (hg19) VCF-style: chr9-96025990-A-G.
Other names: c.3553A>G, p.Ser1185Gly (NM_001282394.3); short protein forms S1185G.
Identifiers: ClinVar variation 4201815 (VCV004201815.1).